The following is an entry in ClinVar:

ClinVar aggregate classification (germline): Uncertain significance (1 of 4 stars; one submission).

Submission:

Women's Health and Genetics/Laboratory Corporation of America, LabCorp
Classification: Uncertain significance. Last evaluated: 2024-10-01. Review status: criteria provided, single submitter. Criteria: LabCorp Variant Classification Summary - May 2015. Collection method: clinical testing. Allele origin: germline.
Comment: Variant summary: MED12 c.2401C>T (p.Pro801Ser) results in a non-conservative amino acid change in the encoded protein sequence. Three of five in-silico tools predict a benign effect of the variant on protein function. The variant was absent in 181578 control chromosomes. The available data on variant occurrences in the general population are insufficient to allow any conclusion about variant significance. To our knowledge, no occurrence of c.2401C>T in individuals affected with MED12-Related Disorders and no experimental evidence demonstrating its impact on protein function have been reported. No submitters have cited clinical-significance assessments for this variant to ClinVar. Based on the evidence outlined above, the variant was classified as uncertain significance.

NM_005120.3(MED12):c.2401C>T (p.Pro801Ser)

Gene: MED12 (mediator complex subunit 12; plus strand). Cytogenetic location: Xq13.1.
Variant type: single nucleotide variant.
Coding change: c.2401C>T on transcript NM_005120.3 (MANE Select); coding-DNA position 2401, C replaced by T.
Protein change: p.Pro801Ser; replaces proline 801 with serine.
Molecular consequence: missense variant.
Genome position (GRCh38, 1-based): chrX:71,125,692, C>T. VCF-style: chrX-71125692-C-T. GRCh37 (hg19) VCF-style: chrX-70345542-C-T.
Other names: short protein forms P801S.
Identifiers: ClinVar variation 3385013 (VCV003385013.1).